The following is an entry in ClinVar:

ClinVar aggregate classification (germline): Uncertain significance. Review status: criteria provided, multiple submitters, no conflicts (2 of 4 stars). 2 submissions from 2 submitters: Uncertain significance (2). Last evaluated 2025-05-19.

Conditions:
Hereditary cancer-predisposing syndrome. Also called: Hereditary Cancer Syndrome; Tumor predisposition; Hereditary neoplastic syndrome; Neoplastic Syndromes, Hereditary. Identifiers: Orphanet 140162, MedGen C0027672, MeSH D009386, MONDO:0015356.

Submissions (2):

Labcorp Genetics (formerly Invitae), Labcorp
Classification: Uncertain significance. Last evaluated: 2025-05-19. Review status: criteria provided, single submitter. Criteria: Invitae Variant Classification Sherloc (09022015). Collection method: clinical testing. Allele origin: germline.
Comment: This sequence change replaces proline, which is neutral and non-polar, with serine, which is neutral and polar, at codon 1148 of the POLE protein (p.Pro1148Ser). This variant is not present in population databases (gnomAD no frequency). This variant has not been reported in the literature in individuals affected with POLE-related conditions. ClinVar contains an entry for this variant (Variation ID: 2188503). Invitae Evidence Modeling of protein sequence and biophysical properties (such as structural, functional, and spatial information, amino acid conservation, physicochemical variation, residue mobility, and thermodynamic stability) indicates that this missense variant is expected to disrupt POLE protein function with a positive predictive value of 80%. In summary, the available evidence is currently insufficient to determine the role of this variant in disease. Therefore, it has been classified as a Variant of Uncertain Significance.

Ambry Genetics
Classification: Uncertain significance for Hereditary cancer-predisposing syndrome. Last evaluated: 2023-08-30. Review status: criteria provided, single submitter. Criteria: Ambry Variant Classification Scheme 2023. Collection method: clinical testing. Allele origin: germline.
Comment: The p.P1148S variant (also known as c.3442C>T), located in coding exon 28 of the POLE gene, results from a C to T substitution at nucleotide position 3442. The proline at codon 1148 is replaced by serine, an amino acid with similar properties. This amino acid position is conserved. In addition, the in silico prediction for this alteration is inconclusive. Since supporting evidence is limited at this time, the clinical significance of this alteration remains unclear.

NM_006231.4(POLE):c.3442C>T (p.Pro1148Ser)

Gene: POLE (DNA polymerase epsilon, catalytic subunit; minus strand). Cytogenetic location: 12q24.33.
Variant type: single nucleotide variant.
Coding change: c.3442C>T on transcript NM_006231.4 (MANE Select); coding-DNA position 3442, C replaced by T.
Protein change: p.Pro1148Ser; replaces proline 1148 with serine.
Molecular consequence: missense variant.
Genome position (GRCh38, 1-based): chr12:132,657,366, G>A on the plus strand (C>T on the coding strand, the complement: POLE is on the minus strand). VCF-style: chr12-132657366-G-A. GRCh37 (hg19) VCF-style: chr12-133233952-G-A.
Other names: c.3442C>T (NM_006231.2); short protein forms P1148S.
Identifiers: ClinVar variation 2188503 (VCV002188503.6), dbSNP rs2138659305, ClinGen allele CA387389012.